The following is an entry in ClinVar:

NM_001369.3(DNAH5):c.10800_10801insTGTCTCTTATA (p.Pro3601fs)

Gene: DNAH5 (dynein axonemal heavy chain 5; minus strand). Cytogenetic location: 5p15.2.
Variant type: Insertion.
Coding change: c.10800_10801insTGTCTCTTATA on transcript NM_001369.3 (MANE Select); coding-DNA positions 10800 to 10801, TGTCTCTTATA inserted.
Protein change: p.Pro3601fs; shifts the reading frame from proline 3601.
Molecular consequence: frameshift variant.
Genome position: GRCh38 VCF-style: chr5-13753304-G-GTATAAGAGACA. GRCh37 (hg19) VCF-style: chr5-13753413-G-GTATAAGAGACA.
Other names: short protein forms P3601fs.
Identifiers: ClinVar variation 5011132 (VCV005011132.1).
Genomic context (GRCh38, chr5:13,753,304, plus strand): 5'-TTCGGCTTTCTTTATTTTTAATCCAGATCTTGCCTTGAGTCTGTGGATCAATTAACAAAG[G>GTATAAGAGACA]GTAACGAGATGCCTTCGTGACAATAATTCCATTTTGAATGGACAAGTCATCATTTGGCAG-3'

ClinVar aggregate classification (germline): Pathogenic (1 of 4 stars; one submission).

Conditions:
Primary ciliary dyskinesia 3. Identifiers: Orphanet 244, MedGen C1837618, MONDO:0012085, OMIM 608644.

Submission:

Myriad Genetics, Inc.
Classification: Pathogenic for Primary ciliary dyskinesia 3. Last evaluated: 2024-05-14. Review status: criteria provided, single submitter. Criteria: Myriad Autosomal Dominant, Autosomal Recessive and X-Linked Classification Criteria (2023). Collection method: clinical testing. Allele origin: unknown.
Comment: NM_001369.2(DNAH5):c.10800_10801ins11(P3601Cfs*7) is expected to be pathogenic in the context of primary ciliary dyskinesia, DNAH5-related. This variant is predicted to lead to an abnormal or absent protein product due to the creation of a premature termination codon in DNAH5, a gene where loss-of-function variants are known to be pathogenic. Please note: this variant was assessed in the context of healthy population screening.